The following is an entry in ClinVar:

NM_015450.3(POT1):c.451C>G (p.Leu151Val)

Gene: POT1 (protection of telomeres 1; minus strand). Cytogenetic location: 7q31.33.
Variant type: single nucleotide variant.
Coding change: c.451C>G on transcript NM_015450.3 (MANE Select); coding-DNA position 451, C replaced by G.
Protein change: p.Leu151Val; replaces leucine 151 with valine.
Molecular consequence: missense variant. On other transcripts: non-coding transcript variant (3).
Genome position (GRCh38, 1-based): chr7:124,863,445, G>C on the plus strand (C>G on the coding strand, the complement: POT1 is on the minus strand). VCF-style: chr7-124863445-G-C. GRCh37 (hg19) VCF-style: chr7-124503499-G-C.
Other names: c.58C>G, p.Leu20Val (NM_001042594.2); short protein forms L151V, L20V.
Identifiers: ClinVar variation 2163424 (VCV002163424.4), dbSNP rs2116541696, ClinGen allele CA369059198.

ClinVar aggregate classification (germline): Uncertain significance (1 of 4 stars; one submission).

Conditions:
Tumor predisposition syndrome 3 (TPDS3). Also called: Melanoma, cutaneous malignant, susceptibility to, 10; Glioma susceptibility 9; LONG TELOMERE SYNDROME, POT1-RELATED; POT1 Tumor Predisposition. Identifiers: Orphanet 618, MedGen C4014476, MONDO:0014368, OMIM 615848.

Submission:

Labcorp Genetics (formerly Invitae), Labcorp
Classification: Uncertain significance for Tumor predisposition syndrome 3. Last evaluated: 2022-11-23. Review status: criteria provided, single submitter. Criteria: Invitae Variant Classification Sherloc (09022015). Collection method: clinical testing. Allele origin: germline.
Comment: This sequence change replaces leucine, which is neutral and non-polar, with valine, which is neutral and non-polar, at codon 151 of the POT1 protein (p.Leu151Val). This variant is not present in population databases (gnomAD no frequency). This variant has not been reported in the literature in individuals affected with POT1-related conditions. Advanced modeling of protein sequence and biophysical properties (such as structural, functional, and spatial information, amino acid conservation, physicochemical variation, residue mobility, and thermodynamic stability) performed at Invitae indicates that this missense variant is not expected to disrupt POT1 protein function. In summary, the available evidence is currently insufficient to determine the role of this variant in disease. Therefore, it has been classified as a Variant of Uncertain Significance.